The following is an entry in ClinVar:

ClinVar aggregate classification (germline): Likely benign (1 of 4 stars; one submission).

Conditions:
Spermatogenic failure 6 (SPGF6). Also called: ROUND-HEADED SPERMATOZOA; ACROSOME MALFORMATION OF SPERMATOZOA. Identifiers: Orphanet 171709, MedGen C4225503, MONDO:0007060, OMIM 102530.

Allele frequency attached by ClinVar (database versions not stated): 1000 Genomes Project 0.00559; 1000 Genomes Project 30x 0.00593; gnomAD 0.00601 and 0.00657; TOPMed 0.00708.

Submission:

Illumina Laboratory Services, Illumina
Classification: Likely benign for Spermatogenic failure 6. Last evaluated: 2018-01-13. Review status: criteria provided, single submitter. Criteria: ICSL Variant Classification Criteria 13 December 2019. Collection method: clinical testing. Allele origin: germline.
Comment: This variant was observed in the ICSL laboratory as part of a predisposition screen in an ostensibly healthy population. It had not been previously curated by ICSL or reported in the Human Gene Mutation Database (HGMD: prior to June 1st, 2018), and was therefore a candidate for classification through an automated scoring system. Utilizing variant allele frequency, disease prevalence and penetrance estimates, and inheritance mode, an automated score was calculated to assess if this variant is too frequent to cause the disease. Based on the score and internal cut-off values, a variant classified as likely benign is not then subjected to further curation. The score for this variant resulted in a classification of likely benign for this disease.

NM_031955.6(SPATA16):c.-121G>A

Gene: SPATA16 (spermatogenesis associated 16; minus strand). Cytogenetic location: 3q26.31.
Variant type: single nucleotide variant.
Coding change: c.-121G>A on transcript NM_031955.6 (MANE Select); 121 bases upstream of the start codon, G replaced by A.
Molecular consequence: 5 prime UTR variant.
Genome position (GRCh38, 1-based): chr3:173,141,205, C>T on the plus strand (G>A on the coding strand, the complement: SPATA16 is on the minus strand). VCF-style: chr3-173141205-C-T. GRCh37 (hg19) VCF-style: chr3-172858995-C-T.
Identifiers: ClinVar variation 344230 (VCV000344230.5), dbSNP rs189972919, ClinGen allele CA10615325.